The following is an entry in ClinVar:

NM_006087.4(TUBB4A):c.1077C>T (p.Arg359=)

Gene: TUBB4A (tubulin beta 4A class IVa; minus strand). Cytogenetic location: 19p13.3.
Variant type: single nucleotide variant.
Coding change: c.1077C>T on transcript NM_006087.4 (MANE Select); coding-DNA position 1077, C replaced by T.
Protein change: p.Arg359=; no amino-acid change (arginine 359 retained).
Molecular consequence: synonymous variant.
Genome position (GRCh38, 1-based): chr19:6,495,422, G>A on the plus strand (C>T on the coding strand, the complement: TUBB4A is on the minus strand). VCF-style: chr19-6495422-G-A. GRCh37 (hg19) VCF-style: chr19-6495433-G-A.
Other names: c.1230C>T, p.Arg410= (NM_001289123.2); c.1212C>T, p.Arg404= (NM_001289127.2); c.1077C>T, p.Arg359= (NM_001289129.2); c.861C>T, p.Arg287= (NM_001289130.2, NM_001289131.2).
Identifiers: ClinVar variation 1620015 (VCV001620015.13), dbSNP rs370390509, ClinGen allele CA9127276.

ClinVar aggregate classification (germline): Likely benign. Review status: criteria provided, multiple submitters, no conflicts (2 of 4 stars). 3 submissions from 3 submitters: Likely benign (3). Last evaluated 2026-03-01.

Conditions:
Leukodystrophy, hypomyelinating, 6. Also called: LEUKODYSTROPHY, HYPOMYELINATING, WITH ATROPHY OF THE BASAL GANGLIA AND CEREBELLUM; TUBB4A-Associated Leukodystrophy; Hypomyelination with Atrophy of Basal Ganglia and Cerebellum (H-ABC). Identifiers: Orphanet 139441, MedGen C2676244, MONDO:0012905, OMIM 612438.

Allele frequency attached by ClinVar (database versions not stated): ExAC 0.00012; gnomAD 0.00013 and 0.00015; gnomAD exomes 0.00014; ESP Exome Variant Server 0.00015; TOPMed 0.00019; 1000 Genomes Project 0.00060; 1000 Genomes Project 30x 0.00062.

Submissions (3):

CeGaT Center for Human Genetics Tuebingen
Classification: Likely benign. Last evaluated: 2026-03-01. Review status: criteria provided, single submitter. Criteria: CeGaT Center For Human Genetics Tuebingen Variant Classification Criteria Version 2. Collection method: clinical testing. Allele origin: germline. Affected: yes. Observed: 1 variant allele.
Comment: TUBB4A: BP4, BP7

Labcorp Genetics (formerly Invitae), Labcorp
Classification: Likely benign for Leukodystrophy, hypomyelinating, 6. Last evaluated: 2025-11-30. Review status: criteria provided, single submitter. Criteria: Invitae Variant Classification Sherloc (09022015). Collection method: clinical testing. Allele origin: germline.

Blueprint Genetics
Classification: Likely benign. Last evaluated: 2024-09-25. Review status: criteria provided, single submitter. Criteria: ACMG Guidelines, 2015. Collection method: clinical testing. Allele origin: germline.